The following is an entry in ClinVar:

ClinVar aggregate classification (germline): Likely benign. Review status: criteria provided, single submitter (1 of 4 stars). 2 submissions from 2 submitters: Likely benign (1). 1 of the submissions does not count toward it. Last evaluated 2025-08-14.

Conditions:
Combined immunodeficiency due to LRBA deficiency. Also called: Common variable immunodeficiency 8, with autoimmunity. Identifiers: Orphanet 445018, MedGen C3553512, MONDO:0013863, OMIM 614700.
LRBA-related disorder. Also called: LRBA-related condition.

Allele frequency attached by ClinVar (database versions not stated): gnomAD 0.00002; gnomAD exomes 0.00004 and 0.00011; ExAC 0.00017; 1000 Genomes Project 30x 0.00031; 1000 Genomes Project 0.00040.
gnomAD v4.1: 61 of 1,614,154 alleles (0.0038%); highest among the groups gnomAD compares: South Asian, 0.065%; no homozygotes.

Submissions (2):

Labcorp Genetics (formerly Invitae), Labcorp
Classification: Likely benign for Combined immunodeficiency due to LRBA deficiency. Last evaluated: 2025-08-14. Review status: criteria provided, single submitter. Criteria: Invitae Variant Classification Sherloc (09022015). Collection method: clinical testing. Allele origin: germline.

PreventionGenetics, part of Exact Sciences
Classification: Likely benign for LRBA-related condition. Last evaluated: 2019-06-05. Review status: no assertion criteria provided. Collection method: clinical testing. Allele origin: germline. Not counted in ClinVar's aggregate classification.
Comment: This variant is classified as likely benign based on ACMG/AMP sequence variant interpretation guidelines (Richards et al. 2015 PMID: 25741868, with internal and published modifications).

NM_001364905.1(LRBA):c.3531T>C (p.Ser1177=)

Gene: LRBA (LPS responsive beige-like anchor protein; minus strand). Cytogenetic location: 4q31.3.
Variant type: single nucleotide variant.
Coding change: c.3531T>C on transcript NM_001364905.1 (MANE Select); coding-DNA position 3531, T replaced by C.
Protein change: p.Ser1177=; no amino-acid change (serine 1177 retained).
Molecular consequence: synonymous variant.
Genome position (GRCh38, 1-based): chr4:150,852,179, A>G on the plus strand (T>C on the coding strand, the complement: LRBA is on the minus strand). VCF-style: chr4-150852179-A-G. GRCh37 (hg19) VCF-style: chr4-151773331-A-G.
Other names: c.3531T>C, p.Ser1177= (NM_001199282.3, NM_001367550.1, NM_006726.5).
Identifiers: ClinVar variation 1157306 (VCV001157306.11), dbSNP rs531152594, ClinGen allele CA3103026.
Genomic context (GRCh38, chr4:150,852,179, plus strand): 5'-GGAAACAGTAGTTTCTGGTGACATAGCTGAAGACCCTGATGCTGTCATAGTCTGAATTCC[A>G]GAATCTTTAGAATCTTGAGTTTCAGTATCAGTTTGCTTTTCAGTAACAGGTTTTCCTTCT-3'
Protein context (NP_001351834.1, residues 1167-1187): TDTETQDSKD[Ser1177=]GIQTMTASGS